The following is an entry in ClinVar:

ClinVar aggregate classification (germline): Uncertain significance. Review status: criteria provided, multiple submitters, no conflicts (2 of 4 stars). 2 submissions from 2 submitters: Uncertain significance (2). Last evaluated 2025-01-07.

Allele frequency attached by ClinVar (database versions not stated): ExAC 0.00002; gnomAD 0.00002; gnomAD exomes 0.00003; TOPMed 0.00003.
gnomAD v4.1: 47 of 1,612,372 alleles (0.0029%); highest among the groups gnomAD compares: Middle Eastern, 0.033%; no homozygotes.

Submissions (2):

Labcorp Genetics (formerly Invitae), Labcorp
Classification: Uncertain significance. Last evaluated: 2025-01-07. Review status: criteria provided, single submitter. Criteria: Invitae Variant Classification Sherloc (09022015). Collection method: clinical testing. Allele origin: germline.
Comment: This sequence change replaces threonine, which is neutral and polar, with isoleucine, which is neutral and non-polar, at codon 117 of the GNPTG protein (p.Thr117Ile). This variant is present in population databases (rs752836392, gnomAD 0.006%). This variant has not been reported in the literature in individuals affected with GNPTG-related conditions. ClinVar contains an entry for this variant (Variation ID: 2069624). Invitae Evidence Modeling of protein sequence and biophysical properties (such as structural, functional, and spatial information, amino acid conservation, physicochemical variation, residue mobility, and thermodynamic stability) has been performed for this missense variant. However, the output from this modeling did not meet the statistical confidence thresholds required to predict the impact of this variant on GNPTG protein function. In summary, the available evidence is currently insufficient to determine the role of this variant in disease. Therefore, it has been classified as a Variant of Uncertain Significance.

Blueprint Genetics
Classification: Uncertain significance. Last evaluated: 2023-06-09. Review status: criteria provided, single submitter. Criteria: ACMG Guidelines, 2015. Collection method: clinical testing. Allele origin: germline.

NM_032520.5(GNPTG):c.350C>T (p.Thr117Ile)

Gene: GNPTG (N-acetylglucosamine-1-phosphate transferase subunit gamma; plus strand). Cytogenetic location: 16p13.3.
Variant type: single nucleotide variant.
Coding change: c.350C>T on transcript NM_032520.5 (MANE Select); coding-DNA position 350, C replaced by T.
Protein change: p.Thr117Ile; replaces threonine 117 with isoleucine.
Molecular consequence: missense variant.
Genome position (GRCh38, 1-based): chr16:1,362,070, C>T. VCF-style: chr16-1362070-C-T. GRCh37 (hg19) VCF-style: chr16-1412071-C-T.
Other names: short protein forms T117I.
Identifiers: ClinVar variation 2069624 (VCV002069624.3), dbSNP rs752836392, ClinGen allele CA7807648.